The following is an entry in ClinVar:

NM_004444.5(EPHB4):c.354C>T (p.Ser118=)

Gene: EPHB4 (EPH receptor B4; minus strand). Cytogenetic location: 7q22.1.
Variant type: single nucleotide variant.
Coding change: c.354C>T on transcript NM_004444.5 (MANE Select); coding-DNA position 354, C replaced by T.
Protein change: p.Ser118=; no amino-acid change (serine 118 retained).
Molecular consequence: synonymous variant.
Genome position (GRCh38, 1-based): chr7:100,823,701, G>A on the plus strand (C>T on the coding strand, the complement: EPHB4 is on the minus strand). VCF-style: chr7-100823701-G-A. GRCh37 (hg19) VCF-style: chr7-100421323-G-A.
Identifiers: ClinVar variation 1732567 (VCV001732567.3), dbSNP rs200452203, ClinGen allele CA4393330.
Genomic context (GRCh38, chr7:100,823,701, plus strand): 5'-TACCTTGATGTAGGGGTTCTCCATCCAGGCTGGCGTGAGGGCCGTGGCCGTGTCCGCATC[G>A]CTCTCATAGTAGAAGACGGTGAAGGTCTCCTTGCAGGAGCGCCCAGCCCGAGGCAGGGAC-3'
Protein context (NP_004435.3, residues 108-128): KETFTVFYYE[Ser118=]DADTATALTP

ClinVar aggregate classification (germline): Likely benign. Review status: criteria provided, multiple submitters, no conflicts (2 of 4 stars). 2 submissions from 2 submitters: Likely benign (2). Last evaluated 2026-05-28.

Conditions:
EPHB4-related disorder. Also called: EPHB4-related disorders; EPHB4-related condition.
Cardiovascular phenotype. Identifiers: MedGen CN230736.

Allele frequency attached by ClinVar (database versions not stated): ExAC 0.00001; gnomAD 0.00001; gnomAD exomes 0.00001; 1000 Genomes Project 0.00020; 1000 Genomes Project 30x 0.00047.
gnomAD v4.1: 13 of 1,613,546 alleles (0.00081%); highest among the groups gnomAD compares: East Asian, 0.013%; no homozygotes.

Submissions (2):

PreventionGenetics, part of Exact Sciences
Classification: Likely benign for EPHB4-related condition. Last evaluated: 2026-05-28. Review status: criteria provided, single submitter. Criteria: ACMG Guidelines, 2015. Collection method: clinical testing. Allele origin: germline.
Comment: This variant is classified as likely benign based on ACMG/AMP sequence variant interpretation guidelines (Richards et al. 2015 PMID: 25741868, with internal and published modifications).

Ambry Genetics
Classification: Likely benign for Cardiovascular phenotype. Last evaluated: 2021-02-14. Review status: criteria provided, single submitter. Criteria: Ambry Variant Classification Scheme 2023. Collection method: clinical testing. Allele origin: germline.